The following is an entry in ClinVar:

NM_000182.5(HADHA):c.2220T>A (p.Tyr740Ter)

Genes: HADHA (hydroxyacyl-CoA dehydrogenase trifunctional multienzyme complex subunit alpha; minus strand), GAREM2 (GRB2 associated regulator of MAPK1 subtype 2; plus strand). Cytogenetic location: 2p23.3.
Variant type: single nucleotide variant.
Coding change: c.2220T>A on transcript NM_000182.5 (MANE Select); coding-DNA position 2220, T replaced by A.
Protein change: p.Tyr740Ter; replaces tyrosine 740 with a stop codon.
Molecular consequence: nonsense.
Genome position (GRCh38, 1-based): chr2:26,191,322, A>T on the plus strand (T>A on the coding strand, the complement: HADHA is on the minus strand). VCF-style: chr2-26191322-A-T. GRCh37 (hg19) VCF-style: chr2-26414191-A-T.
Other names: short protein forms Y740*.
Identifiers: ClinVar variation 552556 (VCV000552556.3), dbSNP rs142120825, ClinGen allele CA1559321.

ClinVar aggregate classification (germline): Pathogenic. Review status: criteria provided, single submitter (1 of 4 stars). 2 submissions from 2 submitters: Pathogenic (1). 1 of the submissions does not count toward it. Last evaluated 2024-08-14.

Conditions:
Long chain 3-hydroxyacyl-CoA dehydrogenase deficiency. Also called: LCHAD Deficiency; Deficiency of long-chain 3-hydroxyacyl-coenzyme A dehydrogenase. Identifiers: Orphanet 5, MedGen C3711645, MONDO:0012173, OMIM 609016.

Allele frequency attached by ClinVar (database versions not stated): TOPMed 0.00001; ESP Exome Variant Server 0.00008; ExAC 0.00002.
gnomAD v4.1: 2 of 1,613,900 alleles (0.00012%); highest among the groups gnomAD compares: African/African-American, 0.0027%; no homozygotes.

Submissions (2):

Women's Health and Genetics/Laboratory Corporation of America, LabCorp
Classification: Pathogenic for Long chain 3-hydroxyacyl-CoA dehydrogenase deficiency. Last evaluated: 2024-08-14. Review status: criteria provided, single submitter. Criteria: LabCorp Variant Classification Summary - May 2015. Collection method: clinical testing. Allele origin: germline.
Comment: Variant summary: HADHA c.2220T>A (p.Tyr740X) results in a premature termination codon, predicted to cause a truncation of the encoded protein or absence of the protein due to nonsense mediated decay, which are commonly known mechanisms for disease. The variant allele was found at a frequency of 8e-06 in 251484 control chromosomes. To our knowledge, no occurrence of c.2220T>A in individuals affected with Long Chain 3-Hydroxyacyl-CoA Dehydrogenase Deficiency and no experimental evidence demonstrating its impact on protein function have been reported. However, a downstream truncation has been classified as likely pathogenic/pathogenic by all labs in ClinVar (c.2225_2228dup, p.Phe744ThrfsX10), which suggests that loss of this protein region is deleterious. ClinVar contains an entry for this variant (Variation ID: 552556). Based on the evidence outlined above, the variant was classified as pathogenic.

Counsyl
Classification: Likely pathogenic for Long chain 3-hydroxyacyl-CoA dehydrogenase deficiency. Last evaluated: 2017-06-21. Review status: no assertion criteria provided. Collection method: clinical testing. Allele origin: unknown. Not counted in ClinVar's aggregate classification.